The following is an entry in ClinVar:

NM_020738.4(KIDINS220):c.4238A>G (p.His1413Arg)

Gene: KIDINS220 (kinase D interacting substrate 220; minus strand). Cytogenetic location: 2p25.1.
Variant type: single nucleotide variant.
Coding change: c.4238A>G on transcript NM_020738.4 (MANE Select); coding-DNA position 4238, A replaced by G.
Protein change: p.His1413Arg; replaces histidine 1413 with arginine.
Molecular consequence: missense variant. On other transcripts: intron variant (6).
Genome position (GRCh38, 1-based): chr2:8,731,798, T>C on the plus strand (A>G on the coding strand, the complement: KIDINS220 is on the minus strand). VCF-style: chr2-8731798-T-C. GRCh37 (hg19) VCF-style: chr2-8871928-T-C.
Other names: c.4241A>G, p.His1414Arg (NM_001348729.2); c.4184A>G, p.His1395Arg (NM_001348731.2); c.4181A>G, p.His1394Arg (NM_001348732.2); c.4070A>G, p.His1357Arg (NM_001348734.2); c.4067A>G, p.His1356Arg (NM_001348735.2); c.3941A>G, p.His1314Arg (NM_001348736.2); c.3882+1646A>G (NM_001348741.2, NM_001348742.2, NM_001348743.2); c.3996+1646A>G (NM_001348738.2); and 1 more; short protein forms H1394R, H1314R, H1357R, H1395R, H1356R, H1414R, H1413R.
Identifiers: ClinVar variation 4092015 (VCV004092015.2).

ClinVar aggregate classification (germline): Uncertain significance. Review status: criteria provided, multiple submitters, no conflicts (2 of 4 stars). 2 submissions from 2 submitters: Uncertain significance (2). Last evaluated 2026-08-27.

Conditions:
KIDINS220-related disorder. Also called: KIDINS220-related condition.
Inborn genetic diseases. Identifiers: MedGen C0950123, MeSH D030342.

gnomAD v4.1: 4 of 1,614,060 alleles (0.00025%); highest among the groups gnomAD compares: East Asian, 0.0045%; no homozygotes.

Submissions (2):

PreventionGenetics, part of Exact Sciences
Classification: Uncertain significance for KIDINS220-related condition. Last evaluated: 2026-08-27. Review status: criteria provided, single submitter. Criteria: ACMG Guidelines, 2015. Collection method: clinical testing. Allele origin: germline.
Comment: The KIDINS220 c.4238A>G variant is predicted to result in the amino acid substitution p.His1413Arg. To our knowledge, this variant has not been reported in the literature. This variant is reported in 0.0029% of alleles in individuals of Latino descent in gnomAD. At this time, the clinical significance of this variant is uncertain due to the absence of conclusive functional and genetic evidence.

Ambry Genetics
Classification: Uncertain significance for Inborn genetic diseases. Last evaluated: 2025-09-04. Review status: criteria provided, single submitter. Criteria: Ambry Variant Classification Scheme 2023. Collection method: clinical testing. Allele origin: germline.